The following is an entry in ClinVar:

NM_017617.5(NOTCH1):c.1868A>G (p.Asn623Ser)

Gene: NOTCH1 (notch receptor 1; minus strand). Cytogenetic location: 9q34.3.
Variant type: single nucleotide variant.
Coding change: c.1868A>G on transcript NM_017617.5 (MANE Select); coding-DNA position 1868, A replaced by G.
Protein change: p.Asn623Ser; replaces asparagine 623 with serine.
Molecular consequence: missense variant.
Genome position (GRCh38, 1-based): chr9:136,515,518, T>C on the plus strand (A>G on the coding strand, the complement: NOTCH1 is on the minus strand). VCF-style: chr9-136515518-T-C. GRCh37 (hg19) VCF-style: chr9-139409970-T-C.
Other names: short protein forms N623S.
Identifiers: ClinVar variation 1053105 (VCV001053105.10), dbSNP rs769696527, ClinGen allele CA5341607.

ClinVar aggregate classification (germline): Conflicting classifications of pathogenicity. Review status: criteria provided, conflicting classifications (1 of 4 stars). 2 submissions from 2 submitters: Uncertain significance (1); Benign (1). Last evaluated 2023-07-07.

Conditions:
Adams-Oliver syndrome 5 (AOS5). Identifiers: Orphanet 974, MedGen C4014970, MONDO:0014459, OMIM 616028.

Allele frequency attached by ClinVar (database versions not stated): TOPMed below 0.00001; gnomAD exomes 0.00002 and 0.00003; ExAC 0.00003.
gnomAD v4.1: 27 of 1,611,838 alleles (0.0017%); highest among the groups gnomAD compares: Middle Eastern, 0.066%; no homozygotes.

Submissions (2):

Labcorp Genetics (formerly Invitae), Labcorp
Classification: Benign for Adams-Oliver syndrome 5. Last evaluated: 2023-07-07. Review status: criteria provided, single submitter. Criteria: Invitae Variant Classification Sherloc (09022015). Collection method: clinical testing. Allele origin: germline.

GeneDx
Classification: Uncertain significance. Last evaluated: 2022-07-08. Review status: criteria provided, single submitter. Criteria: GeneDx Variant Classification Process June 2021. Collection method: clinical testing. Allele origin: germline. Affected: yes.
Comment: In silico analysis supports that this missense variant has a deleterious effect on protein structure/function; Has not been previously published as pathogenic or benign in association with a NOTCH1-related disorder to our knowledge; This variant is associated with the following publications: (PMID: 33829027)